The following is an entry in ClinVar:

ClinVar aggregate classification (germline): Uncertain significance (1 of 4 stars; one submission).

Conditions:
DYRK1A-related intellectual disability syndrome (MRD7). Also called: DYRK1A Syndrome; Intellectual developmental disorder, autosomal dominant 7. Identifiers: Orphanet 464306, MedGen C5568143, MONDO:0013578, OMIM 614104.

Allele frequency attached by ClinVar (database versions not stated): ExAC 0.00001.
gnomAD v4.1: 3 of 1,614,120 alleles (0.00019%); highest among the groups gnomAD compares: South Asian, 0.0011%; no homozygotes.

Submission:

Labcorp Genetics (formerly Invitae), Labcorp
Classification: Uncertain significance for DYRK1A-related intellectual disability syndrome. Last evaluated: 2023-07-22. Review status: criteria provided, single submitter. Criteria: Invitae Variant Classification Sherloc (09022015). Collection method: clinical testing. Allele origin: germline.
Comment: This sequence change replaces tyrosine, which is neutral and polar, with phenylalanine, which is neutral and non-polar, at codon 705 of the DYRK1A protein (p.Tyr705Phe). This variant is present in population databases (rs756765804, gnomAD 0.003%). This variant has not been reported in the literature in individuals affected with DYRK1A-related conditions. ClinVar contains an entry for this variant (Variation ID: 864077). An algorithm developed to predict the effect of missense changes on protein structure and function (PolyPhen-2) suggests that this variant is likely to be tolerated. In summary, the available evidence is currently insufficient to determine the role of this variant in disease. Therefore, it has been classified as a Variant of Uncertain Significance.

NM_001347721.2(DYRK1A):c.2087A>T (p.Tyr696Phe)

Gene: DYRK1A (dual specificity tyrosine phosphorylation regulated kinase 1A; plus strand). Cytogenetic location: 21q22.13.
Variant type: single nucleotide variant.
Coding change: c.2087A>T on transcript NM_001347721.2 (MANE Select); coding-DNA position 2087, A replaced by T.
Protein change: p.Tyr696Phe; replaces tyrosine 696 with phenylalanine.
Molecular consequence: missense variant. On other transcripts: 3 prime UTR variant (2).
Genome position (GRCh38, 1-based): chr21:37,512,353, A>T. VCF-style: chr21-37512353-A-T. GRCh37 (hg19) VCF-style: chr21-38884656-A-T.
Other names: c.2087A>T, p.Tyr696Phe (NM_001347722.2, NM_130436.2); c.2000A>T, p.Tyr667Phe (NM_001347723.2); c.2114A>T, p.Tyr705Phe (NM_001396.5); c.*490A>T (NM_101395.2); c.*399A>T (NM_130438.2); short protein forms Y705F, Y667F, Y696F.
Identifiers: ClinVar variation 864077 (VCV000864077.10), dbSNP rs756765804, ClinGen allele CA10024162.